The following is an entry in ClinVar:

NM_001447.3(FAT2):c.5173T>A (p.Ser1725Thr)

Genes: FAT2 (FAT atypical cadherin 2; minus strand), SLC36A1 (solute carrier family 36 member 1; plus strand). Cytogenetic location: 5q33.1.
Variant type: single nucleotide variant.
Coding change: c.5173T>A on transcript NM_001447.3 (MANE Select); coding-DNA position 5173, T replaced by A.
Protein change: p.Ser1725Thr; replaces serine 1725 with threonine.
Molecular consequence: missense variant.
Genome position (GRCh38, 1-based): chr5:151,545,954, A>T on the plus strand (T>A on the coding strand, the complement: FAT2 is on the minus strand). VCF-style: chr5-151545954-A-T. GRCh37 (hg19) VCF-style: chr5-150925515-A-T.
Other names: short protein forms S1725T.
Identifiers: ClinVar variation 2779059 (VCV002779059.3), dbSNP rs1756588472, ClinGen allele CA361843550.

ClinVar aggregate classification (germline): Uncertain significance (1 of 4 stars; one submission).

Allele frequency attached by ClinVar (database versions not stated): gnomAD 0.00001.
gnomAD v4.1: 1 of 1,614,036 alleles (0.000062%); highest among the groups gnomAD compares: African/African-American, 0.0013%; no homozygotes.

Submission:

Labcorp Genetics (formerly Invitae), Labcorp
Classification: Uncertain significance. Last evaluated: 2024-05-22. Review status: criteria provided, single submitter. Criteria: Invitae Variant Classification Sherloc (09022015). Collection method: clinical testing. Allele origin: germline.
Comment: This sequence change replaces serine, which is neutral and polar, with threonine, which is neutral and polar, at codon 1725 of the FAT2 protein (p.Ser1725Thr). This variant is not present in population databases (gnomAD no frequency). This variant has not been reported in the literature in individuals affected with FAT2-related conditions. An algorithm developed to predict the effect of missense changes on protein structure and function (PolyPhen-2) suggests that this variant is likely to be disruptive. In summary, the available evidence is currently insufficient to determine the role of this variant in disease. Therefore, it has been classified as a Variant of Uncertain Significance.